The following is an entry in ClinVar:

ClinVar aggregate classification (germline): Benign/Likely benign. Review status: criteria provided, multiple submitters, no conflicts (2 of 4 stars). 8 submissions from 8 submitters: Benign (2); Likely benign (3). 3 of the submissions do not count toward it. Last evaluated 2026-01-31.

Conditions:
VPS13A-related neurodegenerative disease. Also called: LEVINE-CRITCHLEY SYNDROME; Chorea-acanthocytosis; ACANTHOCYTOSIS WITH NEUROLOGIC DISORDER; Choreoacanthocytosis; Choreaacanthocytosis; VPS13A Disease. Identifiers: Orphanet 2388, MedGen C0393576, MONDO:0008695, OMIM 200150.

Allele frequency attached by ClinVar (database versions not stated): ExAC 0.00133; 1000 Genomes Project 30x 0.00437; 1000 Genomes Project 0.00439; gnomAD 0.00457 and 0.00488; TOPMed 0.00545; ESP Exome Variant Server 0.00561.
gnomAD v4.1: 1,457 of 1,608,380 alleles (0.091%); highest among the groups gnomAD compares: African/African-American, 1.6%; 16 homozygotes.

Submissions (8):

Labcorp Genetics (formerly Invitae), Labcorp
Classification: Benign. Last evaluated: 2026-01-31. Review status: criteria provided, single submitter. Criteria: Invitae Variant Classification Sherloc (09022015). Collection method: clinical testing. Allele origin: germline.

Blueprint Genetics
Classification: Likely benign. Last evaluated: 2024-11-21. Review status: criteria provided, single submitter. Criteria: ACMG Guidelines, 2015. Collection method: clinical testing. Allele origin: germline.

GeneDx
Classification: Likely benign. Last evaluated: 2021-06-11. Review status: criteria provided, single submitter. Criteria: GeneDx Variant Classification Process June 2021. Collection method: clinical testing. Allele origin: germline. Affected: yes.

Illumina Laboratory Services, Illumina
Classification: Benign for VPS13A-related neurodegenerative disease. Last evaluated: 2018-01-13. Review status: criteria provided, single submitter. Criteria: ICSL Variant Classification Criteria 13 December 2019. Collection method: clinical testing. Allele origin: germline.
Comment: This variant was observed in the ICSL laboratory as part of a predisposition screen in an ostensibly healthy population. It had not been previously curated by ICSL or reported in the Human Gene Mutation Database (HGMD: prior to June 1st, 2018), and was therefore a candidate for classification through an automated scoring system. Utilizing variant allele frequency, disease prevalence and penetrance estimates, and inheritance mode, an automated score was calculated to assess if this variant is too frequent to cause the disease. Based on the score and internal cut-off values, a variant classified as benign is not then subjected to further curation. The score for this variant resulted in a classification of benign for this disease.

Breakthrough Genomics
Classification: Likely benign. Review status: criteria provided, single submitter. Criteria: ACMG Guidelines, 2015. Collection method: not provided. Allele origin: germline. Inheritance: Autosomal recessive inheritance. Affected: yes.

Natera, Inc.
Classification: Benign for Choreaacanthocytosis. Last evaluated: 2019-11-11. Review status: no assertion criteria provided. Collection method: clinical testing. Allele origin: germline. Not counted in ClinVar's aggregate classification.

Clinical Genetics DNA and cytogenetics Diagnostics Lab, Erasmus MC, Erasmus Medical Center
Classification: Benign. Review status: no assertion criteria provided. Collection method: clinical testing. Allele origin: germline. Affected: yes. Study: VKGL Data-share Consensus. Not counted in ClinVar's aggregate classification.

Genome Diagnostics Laboratory, Amsterdam University Medical Center
Classification: Likely benign. Review status: no assertion criteria provided. Collection method: clinical testing. Allele origin: germline. Affected: yes. Study: VKGL Data-share Consensus. Not counted in ClinVar's aggregate classification.

NM_033305.3(VPS13A):c.9150G>A (p.Pro3050=)

Gene: VPS13A (vacuolar protein sorting 13 homolog A; plus strand). Cytogenetic location: 9q21.2.
Variant type: single nucleotide variant.
Coding change: c.9150G>A on transcript NM_033305.3 (MANE Select); coding-DNA position 9150, G replaced by A.
Protein change: p.Pro3050=; no amino-acid change (proline 3050 retained).
Molecular consequence: synonymous variant.
Genome position (GRCh38, 1-based): chr9:77,382,048, G>A. VCF-style: chr9-77382048-G-A. GRCh37 (hg19) VCF-style: chr9-79996964-G-A.
Other names: c.9033G>A, p.Pro3011= (NM_001018037.2); c.9150G>A, p.Pro3050= (NM_001018038.3, NM_015186.4).
Identifiers: ClinVar variation 367429 (VCV000367429.23), dbSNP rs143089318, ClinGen allele CA5093881.